The following is an entry in ClinVar:

ClinVar aggregate classification (germline): Uncertain significance. Review status: criteria provided, multiple submitters, no conflicts (2 of 4 stars). 2 submissions from 2 submitters: Uncertain significance (2). Last evaluated 2025-04-26.

Submissions (2):

Labcorp Genetics (formerly Invitae), Labcorp
Classification: Uncertain significance. Last evaluated: 2025-04-26. Review status: criteria provided, single submitter. Criteria: Invitae Variant Classification Sherloc (09022015). Collection method: clinical testing. Allele origin: germline.
Comment: This sequence change replaces arginine, which is basic and polar, with serine, which is neutral and polar, at codon 456 of the NONO protein (p.Arg456Ser). This variant is not present in population databases (gnomAD no frequency). This variant has not been reported in the literature in individuals affected with NONO-related conditions. ClinVar contains an entry for this variant (Variation ID: 3764150). An algorithm developed to predict the effect of missense changes on protein structure and function (PolyPhen-2) suggests that this variant is likely to be tolerated. In summary, the available evidence is currently insufficient to determine the role of this variant in disease. Therefore, it has been classified as a Variant of Uncertain Significance.

GeneDx
Classification: Uncertain significance. Last evaluated: 2024-08-23. Review status: criteria provided, single submitter. Criteria: GeneDx Variant Classification Process June 2021. Collection method: clinical testing. Allele origin: germline. Affected: yes.
Comment: Not observed at significant frequency in large population cohorts (gnomAD); In silico analysis supports that this missense variant has a deleterious effect on protein structure/function; Has not been previously published as pathogenic or benign to our knowledge

NM_007363.5(NONO):c.1366C>A (p.Arg456Ser)

Gene: NONO (non-POU domain containing octamer binding; plus strand). Cytogenetic location: Xq13.1.
Variant type: single nucleotide variant.
Coding change: c.1366C>A on transcript NM_007363.5 (MANE Select); coding-DNA position 1366, C replaced by A.
Protein change: p.Arg456Ser; replaces arginine 456 with serine.
Molecular consequence: missense variant.
Genome position (GRCh38, 1-based): chrX:71,300,026, C>A. VCF-style: chrX-71300026-C-A. GRCh37 (hg19) VCF-style: chrX-70519876-C-A.
Other names: c.1366C>A, p.Arg456Ser (NM_001145408.2, NM_001145409.2); c.1099C>A, p.Arg367Ser (NM_001145410.2); short protein forms R367S, R456S.
Identifiers: ClinVar variation 3764150 (VCV003764150.2).
Genomic context (GRCh38, chrX:71,300,026, plus strand): 5'-GGTCAGGCTGCTACAATGGAAGGAATTGGGGCAATTGGTGGAACTCCTCCTGCATTCAAC[C>A]GTGCAGCTCCTGGAGCTGAATTTGCCCCAAACAAACGTCGCCGATACTAATAAGTTGCAG-3'
Protein context (NP_031389.3, residues 446-466): AIGGTPPAFN[Arg456Ser]AAPGAEFAPN